The following is an entry in ClinVar:

ClinVar aggregate classification (germline): Likely benign (0 of 4 stars; one submission).

Conditions:
SEMA3B-related disorder. Also called: SEMA3B-related condition.

Submission:

PreventionGenetics, part of Exact Sciences
Classification: Likely benign for SEMA3B-related condition. Last evaluated: 2024-03-06. Review status: no assertion criteria provided. Collection method: clinical testing. Allele origin: germline.
Comment: This variant is classified as likely benign based on ACMG/AMP sequence variant interpretation guidelines (Richards et al. 2015 PMID: 25741868, with internal and published modifications).

NM_001290060.2(SEMA3B):c.1956G>A (p.Thr652=)

Gene: SEMA3B (semaphorin 3B; plus strand). Cytogenetic location: 3p21.31.
Variant type: single nucleotide variant.
Coding change: c.1956G>A on transcript NM_001290060.2 (MANE Select); coding-DNA position 1956, G replaced by A.
Protein change: p.Thr652=; no amino-acid change (threonine 652 retained).
Molecular consequence: synonymous variant. On other transcripts: non-coding transcript variant (1).
Genome position (GRCh38, 1-based): chr3:50,276,412, G>A. VCF-style: chr3-50276412-G-A. GRCh37 (hg19) VCF-style: chr3-50313843-G-A.
Other names: c.1953G>A, p.Thr651= (NM_001005914.3); c.1971G>A, p.Thr657= (NM_001290061.1); c.927G>A, p.Thr309= (NM_001290062.2, NM_001290063.2); c.1956G>A, p.Thr652= (NM_004636.4).
Identifiers: ClinVar variation 3348380 (VCV003348380.1).